The following is an entry in ClinVar:

ClinVar aggregate classification (germline): Uncertain significance (1 of 4 stars; one submission).

Conditions:
Familial cancer of breast. Also called: Hereditary breast cancer; BREAST CANCER, FAMILIAL; hereditary breast carcinoma. Identifiers: Orphanet 227535, MedGen C0346153, MONDO:0016419, OMIM 114480. Disease mechanism: loss of function.

Submission:

Labcorp Genetics (formerly Invitae), Labcorp
Classification: Uncertain significance for Familial cancer of breast. Last evaluated: 2025-05-25. Review status: criteria provided, single submitter. Criteria: Invitae Variant Classification Sherloc (09022015). Collection method: clinical testing. Allele origin: germline.
Comment: This sequence change replaces alanine, which is neutral and non-polar, with serine, which is neutral and polar, at codon 638 of the BARD1 protein (p.Ala638Ser). This variant is not present in population databases (gnomAD no frequency). This variant has not been reported in the literature in individuals affected with BARD1-related conditions. ClinVar contains an entry for this variant (Variation ID: 1035202). An algorithm developed to predict the effect of missense changes on protein structure and function (PolyPhen-2) suggests that this variant is likely to be disruptive. In summary, the available evidence is currently insufficient to determine the role of this variant in disease. Therefore, it has been classified as a Variant of Uncertain Significance.

NM_000465.4(BARD1):c.1912G>T (p.Ala638Ser)

Gene: BARD1 (BRCA1 associated RING domain 1; minus strand). Cytogenetic location: 2q35.
Variant type: single nucleotide variant.
Coding change: c.1912G>T on transcript NM_000465.4 (MANE Select); coding-DNA position 1912, G replaced by T.
Protein change: p.Ala638Ser; replaces alanine 638 with serine.
Molecular consequence: missense variant. On other transcripts: non-coding transcript variant (3).
Genome position (GRCh38, 1-based): chr2:214,730,500, C>A on the plus strand (G>T on the coding strand, the complement: BARD1 is on the minus strand). VCF-style: chr2-214730500-C-A. GRCh37 (hg19) VCF-style: chr2-215595224-C-A.
Other names: c.1855G>T, p.Ala619Ser (NM_001282543.2); c.559G>T, p.Ala187Ser (NM_001282545.2); c.502G>T, p.Ala168Ser (NM_001282548.2); c.373G>T, p.Ala125Ser (NM_001282549.2); short protein forms A125S, A187S, A168S, A619S, A638S.
Identifiers: ClinVar variation 1035202 (VCV001035202.9), dbSNP rs756136465, ClinGen allele CA350451315.